The following is an entry in ClinVar:

ClinVar aggregate classification (germline): Likely benign. Review status: criteria provided, multiple submitters, no conflicts (2 of 4 stars). 3 submissions from 3 submitters: Likely benign (2). 1 of the submissions does not count toward it. Last evaluated 2024-08-08.

Conditions:
ACTN4-related disorder. Also called: ACTN4-related condition.

Allele frequency attached by ClinVar (database versions not stated): ESP Exome Variant Server 0.00008; 1000 Genomes Project 30x 0.00016; 1000 Genomes Project 0.00020.
gnomAD v4.1: 225 of 1,614,080 alleles (0.014%); highest among the groups gnomAD compares: Non-Finnish European, 0.018%; no homozygotes.

Submissions (3):

Labcorp Genetics (formerly Invitae), Labcorp
Classification: Likely benign. Last evaluated: 2024-08-08. Review status: criteria provided, single submitter. Criteria: Invitae Variant Classification Sherloc (09022015). Collection method: clinical testing. Allele origin: germline.

GeneDx
Classification: Likely benign. Last evaluated: 2021-06-02. Review status: criteria provided, single submitter. Criteria: GeneDx Variant Classification Process June 2021. Collection method: clinical testing. Allele origin: germline. Affected: yes.

PreventionGenetics, part of Exact Sciences
Classification: Likely benign for ACTN4-related condition. Last evaluated: 2019-05-11. Review status: no assertion criteria provided. Collection method: clinical testing. Allele origin: germline. Not counted in ClinVar's aggregate classification.
Comment: This variant is classified as likely benign based on ACMG/AMP sequence variant interpretation guidelines (Richards et al. 2015 PMID: 25741868, with internal and published modifications).

NM_004924.6(ACTN4):c.1338A>C (p.Leu446=)

Gene: ACTN4 (actinin alpha 4; plus strand). Cytogenetic location: 19q13.2.
Variant type: single nucleotide variant.
Coding change: c.1338A>C on transcript NM_004924.6 (MANE Select); coding-DNA position 1338, A replaced by C.
Protein change: p.Leu446=; no amino-acid change (leucine 446 retained).
Molecular consequence: synonymous variant.
Genome position (GRCh38, 1-based): chr19:38,721,584, A>C. VCF-style: chr19-38721584-A-C. GRCh37 (hg19) VCF-style: chr19-39212224-A-C.
Other names: c.1338A>C, p.Leu446= (NM_001322033.2); c.1338A>C (NM_004924.5).
Identifiers: ClinVar variation 1327185 (VCV001327185.6), dbSNP rs145505131, ClinGen allele CA9417614.
Genomic context (GRCh38, chr19:38,721,584, plus strand): 5'-TCTGCTCCTACCAGGGAAGGAAGCCATGCTGAAGCACCGGGACTACGAGACGGCCACACT[A>C]TCGGACATCAAAGCCCTCATTCGCAAGCACGAGGCCTTCGAGAGCGACCTGGCTGCGCAC-3'
Protein context (NP_004915.2, residues 436-456): LKHRDYETAT[Leu446=]SDIKALIRKH